The following is an entry in ClinVar:

ClinVar aggregate classification (germline): Benign/Likely benign. Review status: criteria provided, multiple submitters, no conflicts (2 of 4 stars). 3 submissions from 3 submitters: Benign (1); Likely benign (2). Last evaluated 2019-01-29.

Conditions:
Hereditary spastic paraplegia 48. Also called: SPASTIC PARAPLEGIA 48, AUTOSOMAL RECESSIVE; Spastic paraplegia 48. Identifiers: Orphanet 306511, MedGen C3150901, MONDO:0013342, OMIM 613647.

Allele frequency attached by ClinVar (database versions not stated): gnomAD exomes 0.00599; gnomAD 0.05437 and 0.05882; 1000 Genomes Project 0.05611; 1000 Genomes Project 30x 0.05965; TOPMed 0.06262.
gnomAD v4.1: 12,009 of 746,034 alleles (1.6%); highest among the groups gnomAD compares: African/African-American, 19%; 1,017 homozygotes.

Submissions (4):

GeneDx
Classification: Benign. Last evaluated: 2019-01-29. Review status: criteria provided, single submitter. Criteria: GeneDx Variant Classification Process June 2021. Collection method: clinical testing. Allele origin: germline. Affected: yes.

Illumina Laboratory Services, Illumina
Classification: Likely benign for Hereditary spastic paraplegia 48. Last evaluated: 2017-04-27. Review status: criteria provided, single submitter. Criteria: ICSL Variant Classification Criteria 13 December 2019. Collection method: clinical testing. Allele origin: germline.
Comment: This variant was observed as part of a predisposition screen in an ostensibly healthy population. A literature search was performed for the gene, cDNA change, and amino acid change (where applicable). No publications were found based on this search. Allele frequency data from public databases allowed determination this variant is unlikely to cause disease. Therefore, this variant is classified as likely benign.

Breakthrough Genomics
Classification: Likely benign. Review status: criteria provided, single submitter. Criteria: ACMG Guidelines, 2015. Collection method: not provided. Allele origin: germline. Inheritance: Autosomal recessive inheritance. Affected: yes.

Dr. Peter K. Rogan Lab, Western University
No classification provided (evidence only). Condition: Uterine carcinosarcoma. Review status: no classification provided. Collection method: in vitro. Allele origin: not applicable. Functional consequence: retained intron. Not counted in ClinVar's aggregate classification.

NM_014855.3(AP5Z1):c.*205G>A

Gene: AP5Z1 (adaptor related protein complex 5 subunit zeta 1; plus strand). Cytogenetic location: 7p22.1.
Variant type: single nucleotide variant.
Coding change: c.*205G>A on transcript NM_014855.3 (MANE Select); 205 bases downstream of the stop codon, G replaced by A.
Molecular consequence: 3 prime UTR variant. On other transcripts: non-coding transcript variant (1).
Genome position (GRCh38, 1-based): chr7:4,791,590, G>A. VCF-style: chr7-4791590-G-A. GRCh37 (hg19) VCF-style: chr7-4831221-G-A.
Other names: NC_000007.13:g.4831221G>A; c.*205G>A (LRG_1247t1, NM_001364858.1).
Identifiers: ClinVar variation 360350 (VCV000360350.9), dbSNP rs73305394, ClinGen allele CA10626164.